The following is an entry in ClinVar:

ClinVar aggregate classification (germline): Likely pathogenic (1 of 4 stars; one submission).

Conditions:
COG5-congenital disorder of glycosylation. Also called: COG5-CDG; CDG IIi; CONGENITAL DISORDER OF GLYCOSYLATION, TYPE IIi. Identifiers: Orphanet 263487, MedGen C3150876, MONDO:0013325, OMIM 613612.

Submission:

Juno Genomics, Hangzhou Juno Genomics, Inc
Classification: Likely pathogenic for COG5-congenital disorder of glycosylation. Review status: criteria provided, single submitter. Criteria: ACMG Guidelines, 2015. Collection method: clinical testing. Allele origin: germline.
Comment: Absent from controls (or at extremely low frequency if recessive) in Genome Aggregation Database.;Null variant in a gene where loss of function (LOF) is a known mechanism of disease.

NM_006348.5(COG5):c.1501dup (p.Thr501fs)

Gene: COG5 (component of oligomeric golgi complex 5; minus strand). Cytogenetic location: 7q22.3.
Variant type: Duplication.
Coding change: c.1501dup on transcript NM_006348.5 (MANE Select); coding-DNA position 1501, one base duplicated (A; older notation c.1501dupA).
Protein change: p.Thr501fs; shifts the reading frame from threonine 501.
Molecular consequence: frameshift variant.
Genome position (GRCh38, 1-based): chr7:107,281,374, T duplicated on the plus strand (A on the coding strand, the reverse complement: COG5 is on the minus strand). VCF-style (leftmost placement, unchanged base first): chr7-107281373-G-GT. GRCh37 (hg19) VCF-style: chr7-106921818-G-GT.
Other names: c.1501dup, p.Thr501fs (NM_001161520.2, NM_001379512.1, NM_001379513.1 and 2 more transcripts); c.1339dup, p.Thr447fs (NM_001379511.1); c.931dup, p.Thr311fs (NM_001379515.1); c.787dup, p.Thr263fs (NM_001379516.1); short protein forms T263fs, T311fs, T447fs, T501fs.
Identifiers: ClinVar variation 5019059 (VCV005019059.2).